The following is an entry in ClinVar:

ClinVar aggregate classification (germline): Uncertain significance. Review status: criteria provided, multiple submitters, no conflicts (2 of 4 stars). 3 submissions from 3 submitters: Uncertain significance (3). Last evaluated 2023-12-05.

Conditions:
Hereditary cancer-predisposing syndrome. Also called: Hereditary Cancer Syndrome; Neoplastic Syndromes, Hereditary; Tumor predisposition; Hereditary neoplastic syndrome. Identifiers: Orphanet 140162, MedGen C0027672, MeSH D009386, MONDO:0015356.
Familial thoracic aortic aneurysm and aortic dissection (TAAD). Also called: Thoracic aortic aneurysms and dissections. Identifiers: Orphanet 91387, MedGen C4707243, MONDO:0019625.
Juvenile polyposis syndrome (JPS). Identifiers: Orphanet 2929, MedGen C0345893, MONDO:0017380, OMIM 174900.

Submissions (3):

Color Diagnostics, LLC DBA Color Health
Classification: Uncertain significance for Hereditary cancer-predisposing syndrome. Last evaluated: 2023-12-05. Review status: criteria provided, single submitter. Criteria: ACMG Guidelines, 2015. Collection method: clinical testing. Allele origin: germline.
Comment: This missense variant replaces proline with histidine at codon 296 of the SMAD4 protein. Computational prediction suggests that this variant may not impact protein structure and function (internally defined REVEL score threshold <= 0.5, PMID: 27666373). To our knowledge, functional studies have not been reported for this variant. This variant has not been reported in individuals affected with SMAD4-related disorders in the literature. This variant has not been identified in the general population by the Genome Aggregation Database (gnomAD). The available evidence is insufficient to determine the role of this variant in disease conclusively. Therefore, this variant is classified as a Variant of Uncertain Significance.

Ambry Genetics
Classification: Uncertain significance for Hereditary cancer-predisposing syndrome; Familial thoracic aortic aneurysm and aortic dissection. Last evaluated: 2023-11-14. Review status: criteria provided, single submitter. Criteria: Ambry Variant Classification Scheme 2023. Collection method: clinical testing. Allele origin: germline.
Comment: The p.P296H variant (also known as c.887C>A), located in coding exon 6 of the SMAD4 gene, results from a C to A substitution at nucleotide position 887. The proline at codon 296 is replaced by histidine, an amino acid with similar properties. This amino acid position is highly conserved in available vertebrate species. In addition, the in silico prediction for this alteration is inconclusive. Since supporting evidence is limited at this time, the clinical significance of this alteration remains unclear.

Labcorp Genetics (formerly Invitae), Labcorp
Classification: Uncertain significance for Juvenile polyposis syndrome. Last evaluated: 2021-08-09. Review status: criteria provided, single submitter. Criteria: Invitae Variant Classification Sherloc (09022015). Collection method: clinical testing. Allele origin: germline.
Comment: In summary, the available evidence is currently insufficient to determine the role of this variant in disease. Therefore, it has been classified as a Variant of Uncertain Significance. Advanced modeling of protein sequence and biophysical properties (such as structural, functional, and spatial information, amino acid conservation, physicochemical variation, residue mobility, and thermodynamic stability) performed at Invitae indicates that this missense variant is not expected to disrupt SMAD4 protein function. ClinVar contains an entry for this variant (Variation ID: 631330). This variant has not been reported in the literature in individuals affected with SMAD4-related conditions. This variant is not present in population databases (ExAC no frequency). This sequence change replaces proline with histidine at codon 296 of the SMAD4 protein (p.Pro296His). The proline residue is moderately conserved and there is a moderate physicochemical difference between proline and histidine.

NM_005359.6(SMAD4):c.887C>A (p.Pro296His)

Gene: SMAD4 (SMAD family member 4; plus strand). Cytogenetic location: 18q21.2.
Variant type: single nucleotide variant.
Coding change: c.887C>A on transcript NM_005359.6 (MANE Select); coding-DNA position 887, C replaced by A.
Protein change: p.Pro296His; replaces proline 296 with histidine.
Molecular consequence: missense variant.
Genome position (GRCh38, 1-based): chr18:51,058,439, C>A. VCF-style: chr18-51058439-C-A. GRCh37 (hg19) VCF-style: chr18-48584809-C-A.
Other names: short protein forms P296H.
Identifiers: ClinVar variation 631330 (VCV000631330.12), dbSNP rs1417632301, ClinGen allele CA402463584.